The following is an entry in ClinVar:

ClinVar aggregate classification (germline): Pathogenic. Review status: criteria provided, single submitter (1 of 4 stars). 2 submissions from 2 submitters: Pathogenic (1). 1 of the submissions does not count toward it. Last evaluated 2022-04-20.

Conditions:
PDHA1-related disorder. Also called: PDHA1-related condition.
Pyruvate dehydrogenase E1-alpha deficiency (PDHAD). Also called: ATAXIA, INTERMITTENT, WITH PYRUVATE DEHYDROGENASE DEFICIENCY; ATAXIA WITH LACTIC ACIDOSIS I; ATAXIA, INTERMITTENT, WITH ABNORMAL PYRUVATE METABOLISM; Ataxia, intermittent, with pyruvate dehydrogenase, or decarboxylase, deficiency. Identifiers: Orphanet 79243, MedGen C1839413, MONDO:0010717, OMIM 312170.

Submissions (2):

Blueprint Genetics
Classification: Pathogenic for PDHA1-related disorders. Last evaluated: 2022-04-20. Review status: criteria provided, single submitter. Criteria: ACMG Guidelines, 2015. Collection method: clinical testing. Allele origin: germline. Affected: yes. Observed: 1 variant allele.

PDHA1 Study Group, University Children’s Hospital, Paracelsus Medical University
Classification: Pathogenic for Pyruvate dehydrogenase E1-alpha deficiency. Last evaluated: 2024-10-15. Review status: no assertion criteria provided. Collection method: research. Allele origin: germline. Affected: yes. Observed: 2 variant alleles. Not counted in ClinVar's aggregate classification.
Comment: The NM_000284.3:c.924_930del (p.Ser312ValfsTer12) change is a frameshift variant in PDHA1 gene. This variant is predicted to result in nonsense-mediated decay (NMD). In total, 2 individuals were diagnosed with PDHA1-related Pyruvate dehydrogenase complex (PDHc) deficiency (MIM #312170). This variant has been identified in 2 unpublished cases from internal data. Last literature search: July 12, 2024. This variant is absent or extremely rare in population-based cohorts in the Genome Aggregation Database (gnomAD). Individuals harboring this variant presented with clinical features compatible with PDHA1-related PDHc deficiency. In summary, this variant meets criteria to be classified as pathogenic (P) for PDHA1-related PDHc deficiency based on the ACMG/AMP criteria applied: PVS1, PS1, PS3, PM2, PM7 (last assessment October 15, 2024).

Literature cited by the submitters: DOI 10.1093/brain/awaf430 (cited by PDHA1 Study Group, University Children’s Hospital, Paracelsus Medical University).

NM_000284.4(PDHA1):c.924_930del (p.Ser312fs)

Gene: PDHA1 (pyruvate dehydrogenase E1 subunit alpha 1; plus strand). Cytogenetic location: Xp22.12.
Variant type: Deletion.
Coding change: c.924_930del on transcript NM_000284.4 (MANE Select); coding-DNA positions 924 to 930, 7 bases deleted (GGAAGTA; older notation c.924_930delGGAAGTA).
Protein change: p.Ser312fs; shifts the reading frame from serine 312.
Molecular consequence: frameshift variant.
Genome position (GRCh38, 1-based): chrX:19,358,940-19,358,946, GGAAGTA deleted; deleting any 7 consecutive bases within chrX:19,358,939-19,358,946 gives the same sequence; the c. name uses the placement nearest the transcript's 3' end. VCF-style (leftmost placement, unchanged base first): chrX-19358938-CAGGAAGT-C. GRCh37 (hg19) VCF-style: chrX-19377056-CAGGAAGT-C.
Other names: c.1038_1044del, p.Ser350fs (NM_001173454.2); c.945_951del, p.Ser319fs (NM_001173455.2); c.831_837del, p.Ser281fs (NM_001173456.2); short protein forms S281fs, S312fs, S319fs, S350fs.
Identifiers: ClinVar variation 4070513 (VCV004070513.2).